The following is an entry in ClinVar:

ClinVar aggregate classification (germline): Uncertain significance (1 of 4 stars; one submission).

Conditions:
Heterotopia, periventricular, X-linked dominant (PVNH1). Also called: PERIVENTRICULAR NODULAR HETEROTOPIA 4; HETEROTOPIA, PERIVENTRICULAR, 1; PERIVENTRICULAR NODULAR HETEROTOPIA 1; X-linked periventricular heterotopia. Identifiers: Orphanet 2149, Orphanet 82004, MedGen C1848213, MONDO:0010233, OMIM 300049.

Submission:

Juno Genomics, Hangzhou Juno Genomics, Inc
Classification: Uncertain significance for Heterotopia, periventricular, X-linked dominant. Review status: criteria provided, single submitter. Criteria: ACMG Guidelines, 2015. Collection method: clinical testing. Allele origin: germline. Affected: yes.
Comment: Absent from controls (or at extremely low frequency if recessive) in Genome Aggregation Database.;Multiple lines of computational evidence support a deleterious effect on the gene or gene product.;Patient's phenotype or family history is highly specific for a disease with a single genetic etiology.

NM_001110556.2(FLNA):c.7883T>G (p.Leu2628Arg)

Genes: FLNA (filamin A; minus strand), LOC107988032 (Xq28 proximal FLNA-EMD recombination region; plus strand). Cytogenetic location: Xq28.
Variant type: single nucleotide variant.
Coding change: c.7883T>G on transcript NM_001110556.2 (MANE Select); coding-DNA position 7883, T replaced by G.
Protein change: p.Leu2628Arg; replaces leucine 2628 with arginine.
Molecular consequence: missense variant.
Genome position (GRCh38, 1-based): chrX:154,348,910, A>C on the plus strand (T>G on the coding strand, the complement: FLNA is on the minus strand). VCF-style: chrX-154348910-A-C. GRCh37 (hg19) VCF-style: chrX-153577278-A-C.
Other names: c.7859T>G, p.Leu2620Arg (NM_001456.4); short protein forms L2620R, L2628R.
Identifiers: ClinVar variation 5019128 (VCV005019128.1).